The following is an entry in ClinVar:

NM_016507.4(CDK12):c.4175C>G (p.Thr1392Arg)

Gene: CDK12 (cyclin dependent kinase 12; plus strand). Cytogenetic location: 17q12.
Variant type: single nucleotide variant.
Coding change: c.4175C>G on transcript NM_016507.4 (MANE Select); coding-DNA position 4175, C replaced by G.
Protein change: p.Thr1392Arg; replaces threonine 1392 with arginine.
Molecular consequence: missense variant.
Genome position (GRCh38, 1-based): chr17:39,531,018, C>G. VCF-style: chr17-39531018-C-G. GRCh37 (hg19) VCF-style: chr17-37687271-C-G.
Other names: c.4148C>G, p.Thr1383Arg (NM_015083.4); short protein forms T1383R, T1392R.
Identifiers: ClinVar variation 5034082 (VCV005034082.1).
Genomic context (GRCh38, chr17:39,531,018, plus strand): 5'-AGAACAGGACCTTCTCAGGCTCTCTGAGCCACCTTGGGGAGTCCAGCAGTTACCAGGGCA[C>G]AGGGTCAGTGCAGTTTCCAGGGGACCAGGACCTCCGTTTTGCCAGGGTCCCCTTAGCGTT-3'
Protein context (NP_057591.2, residues 1382-1402): HLGESSSYQG[Thr1392Arg]GSVQFPGDQD

ClinVar aggregate classification (germline): Uncertain significance (1 of 4 stars; one submission).

Submission:

Ambry Genetics
Classification: Uncertain significance. Last evaluated: 2026-07-05. Review status: criteria provided, single submitter. Criteria: Ambry Variant Classification Scheme 2023. Collection method: clinical testing. Allele origin: germline.
Comment: The p.T1392R variant (also known as c.4175C>G), located in coding exon 14 of the CDK12 gene, results from a C to G substitution at nucleotide position 4175. The threonine at codon 1392 is replaced by arginine, an amino acid with similar properties. This amino acid position is conserved. In addition, the in silico prediction for this alteration is inconclusive. Based on the available evidence, the clinical significance of this variant remains unclear.